The following is an entry in ClinVar:

NM_201384.3(PLEC):c.6115G>C (p.Ala2039Pro)

Gene: PLEC (plectin; minus strand). Cytogenetic location: 8q24.3.
Variant type: single nucleotide variant.
Coding change: c.6115G>C on transcript NM_201384.3 (MANE Select); coding-DNA position 6115, G replaced by C.
Protein change: p.Ala2039Pro; replaces alanine 2039 with proline.
Molecular consequence: missense variant.
Genome position (GRCh38, 1-based): chr8:143,923,814, C>G on the plus strand (G>C on the coding strand, the complement: PLEC is on the minus strand). VCF-style: chr8-143923814-C-G. GRCh37 (hg19) VCF-style: chr8-144997982-C-G.
Other names: c.6196G>C, p.Ala2066Pro (NM_000445.5); c.6073G>C, p.Ala2025Pro (NM_201378.4); c.6049G>C, p.Ala2017Pro (NM_201379.3); c.6526G>C, p.Ala2176Pro (NM_201380.4); c.6019G>C, p.Ala2007Pro (NM_201381.3); c.6115G>C, p.Ala2039Pro (NM_201382.4); c.6127G>C, p.Ala2043Pro (NM_201383.3); short protein forms A2017P, A2025P, A2043P, A2007P, A2039P, A2066P, A2176P.
Identifiers: ClinVar variation 471624 (VCV000471624.7), dbSNP rs1554694317, ClinGen allele CA372538952.

ClinVar aggregate classification (germline): Uncertain significance (1 of 4 stars; one submission).

Conditions:
Epidermolysis bullosa simplex with nail dystrophy (EBS5D). Identifiers: MedGen C4225309, MONDO:0014661, OMIM 616487.
Epidermolysis bullosa simplex, Ogna type (EBS5A). Also called: Pidermolysis bullosa simplex 5A, Ogna type; EPIDERMOLYSIS BULLOSA SIMPLEX 5A, OGNA TYPE. Identifiers: Orphanet 79401, MedGen C0432317, MONDO:0007555, OMIM 131950.
Autosomal recessive limb-girdle muscular dystrophy type 2Q (LGMDR17). Also called: MUSCULAR DYSTROPHY, LIMB-GIRDLE, AUTOSOMAL RECESSIVE 17. Identifiers: Orphanet 254361, MedGen C3150989, MONDO:0013390, OMIM 613723.
Epidermolysis bullosa simplex 5C, with pyloric atresia (EBS5C). Also called: PLEC-Related Epidermolysis Bullosa with Pyloric Atresia; Epidermolysis bullosa simplex with pyloric atresia; PLEC1-Related Epidermolysis Bullosa with Pyloric Atresia. Identifiers: Orphanet 158684, MedGen C2677349, MONDO:0012807, OMIM 612138.
Epidermolysis bullosa simplex 5B, with muscular dystrophy (EBS5B). Also called: EPIDERMOLYSIS BULLOSA SIMPLEX AND LIMB-GIRDLE MUSCULAR DYSTROPHY; Epidermolysis bullosa simplex with muscular dystrophy. Identifiers: Orphanet 257, MedGen C2931072, MONDO:0009181, OMIM 226670.

Submission:

Labcorp Genetics (formerly Invitae), Labcorp
Classification: Uncertain significance for Autosomal recessive limb-girdle muscular dystrophy type 2Q; Epidermolysis bullosa simplex, Ogna type; Epidermolysis bullosa simplex with nail dystrophy; Epidermolysis bullosa simplex 5C, with pyloric atresia; Epidermolysis bullosa simplex 5B, with muscular dystrophy. Last evaluated: 2020-09-15. Review status: criteria provided, single submitter. Criteria: Invitae Variant Classification Sherloc (09022015). Collection method: clinical testing. Allele origin: germline.
Comment: In summary, this variant is a novel missense change with uncertain impact on protein function. It has been classified as a Variant of Uncertain Significance. Algorithms developed to predict the effect of missense changes on protein structure and function do not agree on the potential impact of this missense change (SIFT: "Deleterious"; PolyPhen-2: "Benign"; Align-GVGD: "Class C0"). This variant is not present in population databases (ExAC no frequency) and has not been reported in the literature in individuals with a PLEC-related disease. This sequence change replaces alanine with proline at codon 2066 of the PLEC protein (p.Ala2066Pro). The alanine residue is highly conserved and there is a small physicochemical difference between alanine and proline.